The following is an entry in ClinVar:

NM_001256627.2(BRSK2):c.2059del (p.Gln687fs)

Gene: BRSK2 (BR serine/threonine kinase 2; plus strand). Cytogenetic location: 11p15.5.
Variant type: Deletion.
Coding change: c.2059del on transcript NM_001256627.2 (MANE Select); coding-DNA position 2059, one base deleted (C; older notation c.2059delC).
Protein change: p.Gln687fs; shifts the reading frame from glutamine 687.
Molecular consequence: frameshift variant. On other transcripts: intron variant (3).
Genome position (GRCh38, 1-based): chr11:1,460,571, C deleted; the last of 3 consecutive C bases (chr11:1,460,569-1,460,571); deleting any one gives the same sequence. VCF-style (leftmost placement, unchanged base first): chr11-1460568-GC-G. GRCh37 (hg19) VCF-style: chr11-1481798-GC-G.
Other names: c.2149del, p.Gln717fs (NM_001256630.1); c.*10-399del (NM_001256629.2, NM_001282218.2); c.1988-399del (NM_003957.4); short protein forms Q687fs, Q717fs.
Identifiers: ClinVar variation 1698246 (VCV001698246.2), dbSNP rs1847345200, ClinGen allele CA934350902.

ClinVar aggregate classification (germline): Uncertain significance (1 of 4 stars; one submission).

Submission:

GeneDx
Classification: Uncertain significance. Last evaluated: 2022-01-19. Review status: criteria provided, single submitter. Criteria: GeneDx Variant Classification Process June 2021. Collection method: clinical testing. Allele origin: germline. Affected: yes.
Comment: Not observed at significant frequency in large population cohorts (gnomAD); Frameshift variant predicted to result in protein truncation as the last 50 amino acids are replaced with 169 different amino acids, although loss-of-function variants have not been reported downstream of this position in the protein.; Has not been previously published as pathogenic or benign to our knowledge